The following is an entry in ClinVar:

ClinVar aggregate classification (germline): Uncertain significance. Review status: criteria provided, multiple submitters, no conflicts (2 of 4 stars). 2 submissions from 2 submitters: Uncertain significance (2). Last evaluated 2023-12-04.

Conditions:
Hypertrophic cardiomyopathy. Also called: HYPERTROPHIC MYOCARDIOPATHY. Identifiers: Orphanet 217569, MedGen C0007194, MeSH D002312, MONDO:0005045, HP:0001639.
Cardiomyopathy (CMYO). Also called: Cardiomyopathies. Identifiers: Orphanet 167848, MedGen C0878544, MONDO:0004994, HP:0001638. Inheritance: Various modes of inheritance.

Submissions (2):

Color Diagnostics, LLC DBA Color Health
Classification: Uncertain significance for Cardiomyopathy. Last evaluated: 2023-12-04. Review status: criteria provided, single submitter. Criteria: ACMG Guidelines, 2015. Collection method: clinical testing. Allele origin: germline.
Comment: This missense variant replaces aspartic acid with glycine at codon 344 of the MYBPC3 protein. Computational prediction tools and conservation analyses are inconclusive regarding the impact of this variant on the protein function. Computational splicing tools suggest that this variant may not impact RNA splicing. To our knowledge, functional assays have not been performed for this variant nor has this variant been reported in individuals affected with cardiovascular disorders in the literature. This variant has not been identified in the general population by the Genome Aggregation Database (gnomAD). Available evidence is insufficient to determine the role of this variant in disease conclusively. Therefore, this variant is classified as a Variant of Uncertain Significance.

Labcorp Genetics (formerly Invitae), Labcorp
Classification: Uncertain significance for Hypertrophic cardiomyopathy. Last evaluated: 2020-09-02. Review status: criteria provided, single submitter. Criteria: Invitae Variant Classification Sherloc (09022015). Collection method: clinical testing. Allele origin: germline.
Comment: This sequence change replaces aspartic acid with glycine at codon 344 of the MYBPC3 protein (p.Asp344Gly). The aspartic acid residue is highly conserved and there is a moderate physicochemical difference between aspartic acid and glycine. This variant is not present in population databases (ExAC no frequency). This variant has not been reported in the literature in individuals with MYBPC3-related conditions. ClinVar contains an entry for this variant (Variation ID: 920757). Algorithms developed to predict the effect of missense changes on protein structure and function (SIFT, PolyPhen-2, Align-GVGD) all suggest that this variant is likely to be tolerated, but these predictions have not been confirmed by published functional studies and their clinical significance is uncertain. In summary, the available evidence is currently insufficient to determine the role of this variant in disease. Therefore, it has been classified as a Variant of Uncertain Significance.

NM_000256.3(MYBPC3):c.1031A>G (p.Asp344Gly)

Gene: MYBPC3 (myosin binding protein C3; minus strand). Cytogenetic location: 11p11.2.
Variant type: single nucleotide variant.
Coding change: c.1031A>G on transcript NM_000256.3 (MANE Select); coding-DNA position 1031, A replaced by G.
Protein change: p.Asp344Gly; replaces aspartic acid 344 with glycine.
Molecular consequence: missense variant.
Genome position (GRCh38, 1-based): chr11:47,346,266, T>C on the plus strand (A>G on the coding strand, the complement: MYBPC3 is on the minus strand). VCF-style: chr11-47346266-T-C. GRCh37 (hg19) VCF-style: chr11-47367817-T-C.
Other names: short protein forms D344G.
Identifiers: ClinVar variation 920757 (VCV000920757.13), dbSNP rs2095893984, ClinGen allele CA380331275.